The following is an entry in ClinVar:

NM_004820.5(CYP7B1):c.223A>T (p.Lys75Ter)

Gene: CYP7B1 (cytochrome P450 family 7 subfamily B member 1; minus strand). Cytogenetic location: 8q12.3.
Variant type: single nucleotide variant.
Coding change: c.223A>T on transcript NM_004820.5 (MANE Select); coding-DNA position 223, A replaced by T.
Protein change: p.Lys75Ter; replaces lysine 75 with a stop codon.
Molecular consequence: nonsense.
Genome position (GRCh38, 1-based): chr8:64,624,439, T>A on the plus strand (A>T on the coding strand, the complement: CYP7B1 is on the minus strand). VCF-style: chr8-64624439-T-A. GRCh37 (hg19) VCF-style: chr8-65536996-T-A.
Other names: c.223A>T (NM_004820.4); c.223A>T, p.Lys75Ter (NM_001324112.2); short protein forms K75*.
Identifiers: ClinVar variation 3019820 (VCV003019820.4), dbSNP rs757008581, ClinGen allele CA4764271.

ClinVar aggregate classification (germline): Pathogenic/Likely pathogenic. Review status: criteria provided, multiple submitters, no conflicts (2 of 4 stars). 2 submissions from 2 submitters: Pathogenic (1); Likely pathogenic (1). Last evaluated 2026-02-22.

Conditions:
CYP7B1-related disorder. Also called: CYP7B1-related condition.
Spastic paraplegia. Identifiers: MedGen C0037772, HP:0001258.

Allele frequency attached by ClinVar (database versions not stated): gnomAD exomes below 0.00001; ExAC 0.00001; gnomAD 0.00001.
gnomAD v4.1: 3 of 1,613,798 alleles (0.00019%); highest among the groups gnomAD compares: Non-Finnish European, 0.00025%; no homozygotes.

Submissions (2):

PreventionGenetics, part of Exact Sciences
Classification: Likely pathogenic for CYP7B1-related condition. Last evaluated: 2026-02-22. Review status: criteria provided, single submitter. Criteria: ACMG Guidelines, 2015. Collection method: clinical testing. Allele origin: germline.
Comment: The CYP7B1 c.223A>T variant is predicted to result in premature protein termination (p.Lys75*). To our knowledge, this variant has not been reported in the literature. This variant is reported in 0.0015% of alleles in individuals of European (Non-Finnish) descent in gnomAD. Nonsense variants in CYP7B1 are expected to be pathogenic. This variant is interpreted as likely pathogenic.

Labcorp Genetics (formerly Invitae), Labcorp
Classification: Pathogenic for Spastic paraplegia. Last evaluated: 2026-01-09. Review status: criteria provided, single submitter. Criteria: Invitae Variant Classification Sherloc (09022015). Collection method: clinical testing. Allele origin: germline.
Comment: This sequence change creates a premature translational stop signal (p.Lys75*) in the CYP7B1 gene. It is expected to result in an absent or disrupted protein product. Loss-of-function variants in CYP7B1 are known to be pathogenic (PMID: 9802883, 19363635, 19439420, 21541746, 21567895, 28039895). This variant is present in population databases (rs757008581, gnomAD 0.002%). This variant has not been reported in the literature in individuals affected with CYP7B1-related conditions. ClinVar contains an entry for this variant (Variation ID: 3019820). For these reasons, this variant has been classified as Pathogenic.

Literature cited by the submitters: PubMed 9802883 (cited by Labcorp Genetics (formerly Invitae), Labcorp); PubMed 19363635 (cited by Labcorp Genetics (formerly Invitae), Labcorp); PubMed 19439420 (cited by Labcorp Genetics (formerly Invitae), Labcorp); PubMed 21541746 (cited by Labcorp Genetics (formerly Invitae), Labcorp); PubMed 21567895 (cited by Labcorp Genetics (formerly Invitae), Labcorp); PubMed 28039895 (cited by Labcorp Genetics (formerly Invitae), Labcorp).